The following is an entry in ClinVar:

ClinVar aggregate classification (germline): Uncertain significance. Review status: criteria provided, multiple submitters, no conflicts (2 of 4 stars). 4 submissions from 4 submitters: Uncertain significance (4). Last evaluated 2025-07-30.

Conditions:
Cardiovascular phenotype. Identifiers: MedGen CN230736.
Cardiomyopathy (CMYO). Also called: Cardiomyopathies. Identifiers: Orphanet 167848, MedGen C0878544, MONDO:0004994, HP:0001638. Inheritance: Various modes of inheritance.
Catecholaminergic polymorphic ventricular tachycardia (CVPT). Also called: Catecholamine-induced polymorphic ventricular tachycardia. Identifiers: Orphanet 3286, MedGen C5574922, MONDO:0017990.
Catecholaminergic polymorphic ventricular tachycardia 1. Also called: RYR2-Related Catecholaminergic Polymorphic Ventricular Tachycardia; VENTRICULAR TACHYCARDIA, CATECHOLAMINERGIC POLYMORPHIC, 1, WITH OR WITHOUT ATRIAL DYSFUNCTION AND/OR DILATED CARDIOMYOPATHY; VENTRICULAR TACHYCARDIA, STRESS-INDUCED POLYMORPHIC 1. Identifiers: Orphanet 3286, MedGen C1631597, MONDO:0011484, OMIM 604772.

Allele frequency attached by ClinVar (database versions not stated): gnomAD 0.00001; gnomAD exomes 0.00001; TOPMed 0.00001.
gnomAD v4.1: 13 of 1,611,216 alleles (0.00081%); highest among the groups gnomAD compares: Non-Finnish European, 0.001%; no homozygotes.

Submissions (4):

Labcorp Genetics (formerly Invitae), Labcorp
Classification: Uncertain significance for Catecholaminergic polymorphic ventricular tachycardia 1. Last evaluated: 2025-07-30. Review status: criteria provided, single submitter. Criteria: Invitae Variant Classification Sherloc (09022015). Collection method: clinical testing. Allele origin: germline.
Comment: This sequence change replaces arginine, which is basic and polar, with glutamine, which is neutral and polar, at codon 2068 of the RYR2 protein (p.Arg2068Gln). This variant is present in population databases (no rsID available, gnomAD 0.002%). This missense change has been observed in individual(s) with sudden cardiac arrest and/or Sudden Infant Death Syndrome (PMID: 29544605, 34389451). ClinVar contains an entry for this variant (Variation ID: 570725). Invitae Evidence Modeling of protein sequence and biophysical properties (such as structural, functional, and spatial information, amino acid conservation, physicochemical variation, residue mobility, and thermodynamic stability) indicates that this missense variant is not expected to disrupt RYR2 protein function with a negative predictive value of 95%. In summary, the available evidence is currently insufficient to determine the role of this variant in disease. Therefore, it has been classified as a Variant of Uncertain Significance.

All of Us Research Program, National Institutes of Health
Classification: Uncertain significance for Catecholaminergic polymorphic ventricular tachycardia. Last evaluated: 2024-07-10. Review status: criteria provided, single submitter. Criteria: ACMG Guidelines, 2015. Collection method: clinical testing. Allele origin: germline. Inheritance: Autosomal dominant inheritance. Observed: 9 variant alleles, 9 heterozygotes.
Comment: This missense variant replaces arginine with glutamine at codon 2068 of the RYR2 protein. Computational prediction suggests that this variant may not impact protein structure and function (internally defined REVEL score threshold <= 0.5, PMID: 27666373). To our knowledge, functional studies have not been reported for this variant. This variant has been reported in an individual affected with sudden-infant death syndrome (PMID: 29544605) and in another individual affected with sudden cardiac death (PMID: 34389451). This variant has been identified in 3/246514 chromosomes in the general population by the Genome Aggregation Database (gnomAD). The available evidence is insufficient to determine the role of this variant in disease conclusively. Therefore, this variant is classified as a Variant of Uncertain Significance.

This study involves interpretation of variants in research participants for the purpose of population health screening. Participant phenotype was not available at the time of variant classification. Additional details can be found in publication PMID: 35346344, PMCID: PMC8962531

Color Diagnostics, LLC DBA Color Health
Classification: Uncertain significance for Cardiomyopathy. Last evaluated: 2024-06-14. Review status: criteria provided, single submitter. Criteria: ACMG Guidelines, 2015. Collection method: clinical testing. Allele origin: germline.
Comment: This missense variant replaces arginine with glutamine at codon 2068 of the RYR2 protein. Computational prediction suggests that this variant may not impact protein structure and function (internally defined REVEL score threshold <= 0.5, PMID: 27666373). To our knowledge, functional studies have not been reported for this variant. This variant has been reported in an individual affected with sudden-infant death syndrome (PMID: 29544605) and in another individual affected with sudden cardiac death (PMID: 34389451). This variant has been identified in 3/246514 chromosomes in the general population by the Genome Aggregation Database (gnomAD). The available evidence is insufficient to determine the role of this variant in disease conclusively. Therefore, this variant is classified as a Variant of Uncertain Significance.

Ambry Genetics
Classification: Uncertain significance for Cardiovascular phenotype. Last evaluated: 2024-03-26. Review status: criteria provided, single submitter. Criteria: Ambry Variant Classification Scheme 2023. Collection method: clinical testing. Allele origin: germline.
Comment: The p.R2068Q variant (also known as c.6203G>A), located in coding exon 41 of the RYR2 gene, results from a G to A substitution at nucleotide position 6203. The arginine at codon 2068 is replaced by glutamine, an amino acid with highly similar properties. This variant has been detected in a sudden infant death case and in an adult sudden cardiac death case; however, clinical details were limited (Tester DJ et al. J Am Coll Cardiol, 2018 Mar;71:1217-1227; Tiesmeier J et al. Resuscitation, 2021 Nov;168:176-185). This amino acid position is well conserved in available vertebrate species. In addition, this alteration is predicted to be tolerated by in silico analysis. Based on the available evidence, the clinical significance of this alteration remains unclear.

Literature cited by the submitters: PubMed 29544605 (cited by 4 submitters); PubMed 34389451 (cited by 4 submitters); PubMed 30847666 (cited by Ambry Genetics).

NM_001035.3(RYR2):c.6203G>A (p.Arg2068Gln)

Gene: RYR2 (ryanodine receptor 2; plus strand). Cytogenetic location: 1q43.
Variant type: single nucleotide variant.
Coding change: c.6203G>A on transcript NM_001035.3 (MANE Select); coding-DNA position 6203, G replaced by A.
Protein change: p.Arg2068Gln; replaces arginine 2068 with glutamine.
Molecular consequence: missense variant.
Genome position (GRCh38, 1-based): chr1:237,627,843, G>A. VCF-style: chr1-237627843-G-A. GRCh37 (hg19) VCF-style: chr1-237791143-G-A.
Other names: c.6203G>A, p.Arg2068Gln (LRG_402t1); short protein forms R2068Q.
Identifiers: ClinVar variation 570725 (VCV000570725.17), dbSNP rs869025512, ClinGen allele CA345410442.